The following is an entry in ClinVar:

ClinVar aggregate classification (germline): Pathogenic (1 of 4 stars; one submission).

Submission:

Labcorp Genetics (formerly Invitae), Labcorp
Classification: Pathogenic. Last evaluated: 2024-02-14. Review status: criteria provided, single submitter. Criteria: Invitae Variant Classification Sherloc (09022015). Collection method: clinical testing. Allele origin: germline.
Comment: This sequence change creates a premature translational stop signal (p.Leu913*) in the ABCC2 gene. It is expected to result in an absent or disrupted protein product. Loss-of-function variants in ABCC2 are known to be pathogenic (PMID: 9185779, 16549534, 16952291). This variant is present in population databases (no rsID available, gnomAD 0.0009%). This premature translational stop signal has been observed in individual(s) with Dubin-Johnson syndrome (PMID: 30092126, 31544333). For these reasons, this variant has been classified as Pathogenic.

Literature cited by the submitters: PubMed 9185779; PubMed 16549534; PubMed 16952291; PubMed 30092126; PubMed 31544333.

NM_000392.5(ABCC2):c.2736_2737del (p.Thr912_Leu913insTer)

Genes: ABCC2 (ATP binding cassette subfamily C member 2; plus strand), LOC126861012 (BRD4-independent group 4 enhancer GRCh37_chr10:101589748-101590947; plus strand). Cytogenetic location: 10q24.2.
Variant type: Microsatellite.
Coding change: c.2736_2737del on transcript NM_000392.5 (MANE Select); coding-DNA positions 2736 to 2737, 2 bases deleted (AC; older notation c.2736_2737delAC).
Protein change: p.Thr912_Leu913insTer.
Molecular consequence: frameshift variant.
Genome position (GRCh38, 1-based): chr10:99,830,422-99,830,423, AC deleted; deleting any 2 consecutive bases within chr10:99,830,420-99,830,423 gives the same sequence; the c. name uses the placement nearest the transcript's 3' end. VCF-style (leftmost placement, unchanged base first): chr10-99830419-AAC-A. GRCh37 (hg19) VCF-style: chr10-101590176-AAC-A.
Identifiers: ClinVar variation 3704406 (VCV003704406.3).